The following is an entry in ClinVar:

NM_001366385.1(CARD14):c.451C>T (p.Arg151Trp)

Gene: CARD14 (caspase recruitment domain family member 14; plus strand). Cytogenetic location: 17q25.3.
Variant type: single nucleotide variant.
Coding change: c.451C>T on transcript NM_001366385.1 (MANE Select); coding-DNA position 451, C replaced by T.
Protein change: p.Arg151Trp; replaces arginine 151 with tryptophan.
Molecular consequence: missense variant. On other transcripts: non-coding transcript variant (1).
Genome position (GRCh38, 1-based): chr17:80,184,014, C>T. VCF-style: chr17-80184014-C-T. GRCh37 (hg19) VCF-style: chr17-78157813-C-T.
Other names: c.451C>T, p.Arg151Trp (NM_001257970.1, NM_024110.4); short protein forms R151W.
Identifiers: ClinVar variation 940033 (VCV000940033.10), dbSNP rs777305616, ClinGen allele CA8816425.
Genomic context (GRCh38, chr17:80,184,014, plus strand): 5'-GCCATCGGCAGCCTGCAGGAGGAGCTGAACCAGGAAAAGGGGCAGAAGGAGGTGCTGCTG[C>T]GGCGGTGCCAGCAGCTGCAGGAGCACCTGGGCCTGGCCGAGACCCGTGCCGAGGGCCTGC-3'
Protein context (NP_001353314.1, residues 141-161): QEKGQKEVLL[Arg151Trp]RCQQLQEHLG

ClinVar aggregate classification (germline): Uncertain significance (1 of 4 stars; one submission).

Conditions:
Pityriasis rubra pilaris (PRP). Also called: Pityriasis rubra pilaris--familial type. Identifiers: Orphanet 2897, MedGen C0032027, MONDO:0100017, OMIM 173200, MONDO:0008251.
Psoriasis 2. Identifiers: MedGen C1864497, MONDO:0011269, OMIM 602723.

Allele frequency attached by ClinVar (database versions not stated): gnomAD 0.00002 and 0.00004; ExAC 0.00004; TOPMed 0.00005.

Submission:

Labcorp Genetics (formerly Invitae), Labcorp
Classification: Uncertain significance for Pityriasis rubra pilaris; Psoriasis 2. Last evaluated: 2025-05-18. Review status: criteria provided, single submitter. Criteria: Invitae Variant Classification Sherloc (09022015). Collection method: clinical testing. Allele origin: germline.
Comment: This sequence change replaces arginine, which is basic and polar, with tryptophan, which is neutral and slightly polar, at codon 151 of the CARD14 protein (p.Arg151Trp). The frequency data for this variant in the population databases is considered unreliable, as metrics indicate poor data quality at this position in the gnomAD database. This missense change has been observed in individual(s) with psoriasis (PMID: 26358359). ClinVar contains an entry for this variant (Variation ID: 940033). Invitae Evidence Modeling of protein sequence and biophysical properties (such as structural, functional, and spatial information, amino acid conservation, physicochemical variation, residue mobility, and thermodynamic stability) indicates that this missense variant is not expected to disrupt CARD14 protein function with a negative predictive value of 95%. Experimental studies have shown that this missense change affects CARD14 function (PMID: 26358359). In summary, the available evidence is currently insufficient to determine the role of this variant in disease. Therefore, it has been classified as a Variant of Uncertain Significance.

Literature cited by the submitters: PubMed 26358359.